The following is an entry in ClinVar:

ClinVar aggregate classification (germline): Likely pathogenic (1 of 4 stars; one submission).

Conditions:
Glanzmann thrombasthenia 1 (GT1). Also called: GP IIb-IIIa COMPLEX DEFICIENCY; GLYCOPROTEIN COMPLEX IIb-IIIa DEFICIENCY; PLATELET FIBRINOGEN RECEPTOR DEFICIENCY; BLEEDING DISORDER, PLATELET-TYPE, 2. Identifiers: MedGen CN300358, MONDO:0031332, OMIM 273800.

Submission:

Diagnostics Services (NGS), CSIR - Centre For Cellular And Molecular Biology
Classification: Likely pathogenic for Glanzmann thrombasthenia 1. Last evaluated: 2025-01-20. Review status: criteria provided, single submitter. Criteria: ACMG Guidelines, 2015. Collection method: clinical testing. Allele origin: germline. Affected: yes. Observed: 1 variant allele, 1 homozygote.
Comment: The c.1444C>T variant is not present in publicly available population databases like 1000 Genomes, EVS, gnomAD, Indian Exome Database or our internal database. This variant has neither been reported in the literature in individuals affected with ITGA2B-related conditions nor reported to clinical databases like Human Genome Mutation Database (HGMD), ClinVar or OMIM, in any affected individuals. In-silico pathogenicity prediction programs like MutationTaster2021, CADD, Varsome, Franklin, InterVar etc predicted this variant to be likely deleterious. This variant creates a premature translational stop-signal at the 482nd amino acid position of the wild-type transcript that may either result in the translation of a truncated protein or cause nonsense-mediated decay of the mRNA.

NM_000419.5(ITGA2B):c.1444C>T (p.Gln482Ter)

Gene: ITGA2B (integrin subunit alpha 2b; minus strand). Cytogenetic location: 17q21.31.
Variant type: single nucleotide variant.
Coding change: c.1444C>T on transcript NM_000419.5 (MANE Select); coding-DNA position 1444, C replaced by T.
Protein change: p.Gln482Ter; replaces glutamine 482 with a stop codon.
Molecular consequence: nonsense.
Genome position (GRCh38, 1-based): chr17:44,380,486, G>A on the plus strand (C>T on the coding strand, the complement: ITGA2B is on the minus strand). VCF-style: chr17-44380486-G-A. GRCh37 (hg19) VCF-style: chr17-42457854-G-A.
Other names: short protein forms Q482*.
Identifiers: ClinVar variation 3767956 (VCV003767956.1).